The following is an entry in ClinVar:

ClinVar aggregate classification (germline): Uncertain significance (1 of 4 stars; one submission).

Conditions:
Cardiovascular phenotype. Identifiers: MedGen CN230736.

Submission:

Molecular Diagnostic Laboratory for Inherited Cardiovascular Disease, Montreal Heart Institute
Classification: Uncertain significance for Cardiovascular phenotype. Last evaluated: 2025-04-09. Review status: criteria provided, single submitter. Criteria: ACMG Guidelines, 2015. Collection method: clinical testing. Allele origin: germline. Affected: yes.
Comment: PVS1_mod, PM2

NM_001613.4(ACTA2):c.1103_1110delinsT (p.Gly368fs)

Genes: ACTA2 (actin alpha 2, smooth muscle; minus strand), ACTA2-AS1 (ACTA2 antisense RNA 1; plus strand). Cytogenetic location: 10q23.31.
Variant type: Indel.
Coding change: c.1103_1110delinsT on transcript NM_001613.4 (MANE Select); coding-DNA positions 1103 to 1110, GGCCTTCC replaced by T.
Protein change: p.Gly368fs; shifts the reading frame from glycine 368.
Molecular consequence: frameshift variant. On other transcripts: non-coding transcript variant (1).
Genome position (GRCh38, 1-based): chr10:88,935,247-88,935,254, GGAAGGCC replaced by A on the plus strand (GGCCTTCC replaced by T on the coding strand, the reverse complement: ACTA2 is on the minus strand). VCF-style: chr10-88935247-GGAAGGCC-A. GRCh37 (hg19) VCF-style: chr10-90695004-GGAAGGCC-A.
Other names: c.1103_1110delinsT, p.Gly368fs (NM_001141945.3, NM_001320855.2, NM_001406462.1 and 2 more transcripts); c.992_999delinsT, p.Gly331fs (NM_001406466.1); c.974_981delinsT, p.Gly325fs (NM_001406467.1, NM_001406468.1, NM_001406469.1); c.911_918delinsT, p.Gly304fs (NM_001406471.1); c.1103_1110delGGCCTTCCinsT, p.Gly368Valfs (NM_001613.2); short protein forms G304fs, G325fs, G331fs, G368fs.
Identifiers: ClinVar variation 3895154 (VCV003895154.1).